The following is an entry in ClinVar:

ClinVar aggregate classification (germline): Uncertain significance (1 of 4 stars; one submission).

Conditions:
Myopathy with tubular aggregates (TAM). Also called: Tubular Aggregate Myopathy. Identifiers: Orphanet 2593, MedGen C0410207, MONDO:0008051.
Stormorken syndrome (STRMK). Also called: THROMBOCYTOPATHY, ASPLENIA, AND MIOSIS. Identifiers: Orphanet 3204, MedGen C1861451, MONDO:0008497, OMIM 185070.
Combined immunodeficiency due to STIM1 deficiency. Also called: STIM1 DEFICIENCY; IMMUNODEFICIENCY 10. Identifiers: Orphanet 169090, Orphanet 317430, MedGen C2748557, MONDO:0013008, OMIM 612783.

gnomAD v4.1: 1 of 1,612,890 alleles (0.000062%); highest among the groups gnomAD compares: East Asian, 0.0022%; no homozygotes.

Submission:

Labcorp Genetics (formerly Invitae), Labcorp
Classification: Uncertain significance for Myopathy with tubular aggregates; Combined immunodeficiency due to STIM1 deficiency; Stormorken syndrome. Last evaluated: 2025-12-29. Review status: criteria provided, single submitter. Criteria: Invitae Variant Classification Sherloc (09022015). Collection method: clinical testing. Allele origin: germline.
Comment: This sequence change replaces glutamine, which is neutral and polar, with histidine, which is basic and polar, at codon 372 of the STIM1 protein (p.Gln372His). This variant is not present in population databases (gnomAD no frequency). This variant has not been reported in the literature in individuals affected with STIM1-related conditions. Invitae Evidence Modeling of protein sequence and biophysical properties (such as structural, functional, and spatial information, amino acid conservation, physicochemical variation, residue mobility, and thermodynamic stability) has been performed for this missense variant. However, the output from this modeling did not meet the statistical confidence thresholds required to predict the impact of this variant on STIM1 protein function. In summary, the available evidence is currently insufficient to determine the role of this variant in disease. Therefore, it has been classified as a Variant of Uncertain Significance.

NM_001382567.1(STIM1):c.1116G>C (p.Gln372His)

Gene: STIM1 (stromal interaction molecule 1; plus strand). Cytogenetic location: 11p15.4.
Variant type: single nucleotide variant.
Coding change: c.1116G>C on transcript NM_001382567.1 (MANE Select); coding-DNA position 1116, G replaced by C.
Protein change: p.Gln372His; replaces glutamine 372 with histidine.
Molecular consequence: missense variant. On other transcripts: non-coding transcript variant (2).
Genome position (GRCh38, 1-based): chr11:4,082,330, G>C. VCF-style: chr11-4082330-G-C. GRCh37 (hg19) VCF-style: chr11-4103560-G-C.
Other names: c.1116G>C, p.Gln372His (NM_001277961.3, NM_001277962.2, NM_001382568.1 and 1 more transcripts); c.894G>C, p.Gln298His (NM_001382566.1, NM_001382573.1, NM_001382575.1 and 4 more transcripts); c.981G>C, p.Gln327His (NM_001382569.1); c.888G>C, p.Gln296His (NM_001382570.1); c.636G>C, p.Gln212His (NM_001382571.1); c.627G>C, p.Gln209His (NM_001382580.1, NM_001382581.1); short protein forms Q209H, Q296H, Q298H, Q212H, Q327H, Q372H.
Identifiers: ClinVar variation 4793662 (VCV004793662.1).